The following is an entry in ClinVar:

NM_000245.4(MET):c.3633-13G>A

Gene: MET (MET proto-oncogene, receptor tyrosine kinase; plus strand). Cytogenetic location: 7q31.2.
Variant type: single nucleotide variant.
Coding change: c.3633-13G>A on transcript NM_000245.4 (MANE Select); 13 bases into the intron before coding-DNA position 3633, G replaced by A.
Molecular consequence: intron variant.
Genome position (GRCh38, 1-based): chr7:116,783,291, G>A. VCF-style: chr7-116783291-G-A. GRCh37 (hg19) VCF-style: chr7-116423345-G-A.
Other names: c.3687-13G>A (NM_001127500.3); c.2343-13G>A (NM_001324402.2).
Identifiers: ClinVar variation 2143977 (VCV002143977.5), dbSNP rs1241338160, ClinGen allele CA577218045.

ClinVar aggregate classification (germline): Likely benign. Review status: criteria provided, multiple submitters, no conflicts (2 of 4 stars). 2 submissions from 2 submitters: Likely benign (2). Last evaluated 2025-06-30.

Conditions:
Renal cell carcinoma. Identifiers: Orphanet 217071, MedGen C0007134, MeSH D002292, MONDO:0005086, HP:0005584.
Papillary renal cell carcinoma type 1 (RCCP1). Also called: Renal adenocarcinoma; Renal cell carcinoma 1; Renal cell carcinoma, somatic; RENAL CELL CARCINOMA, PAPILLARY, 1, SOMATIC. Identifiers: Orphanet 47044, MedGen C1336839, OMIM 605074, HP:0011797.

Allele frequency attached by ClinVar (database versions not stated): gnomAD 0.00001; TOPMed 0.00001.

Submissions (2):

Labcorp Genetics (formerly Invitae), Labcorp
Classification: Likely benign for Renal cell carcinoma. Last evaluated: 2025-06-30. Review status: criteria provided, single submitter. Criteria: Invitae Variant Classification Sherloc (09022015). Collection method: clinical testing. Allele origin: germline.

Myriad Genetics, Inc.
Classification: Likely benign for Papillary renal cell carcinoma type 1. Last evaluated: 2024-11-13. Review status: criteria provided, single submitter. Criteria: Myriad Autosomal Dominant, Autosomal Recessive and X-Linked Classification Criteria (2023). Collection method: clinical testing. Allele origin: unknown.
Comment: This variant is considered likely benign. This variant is intronic and is not expected to impact mRNA splicing.